The following is an entry in ClinVar:

ClinVar aggregate classification (germline): Uncertain significance. Review status: criteria provided, multiple submitters, no conflicts (2 of 4 stars). 2 submissions from 2 submitters: Uncertain significance (2). Last evaluated 2023-03-16.

Conditions:
Tuberous sclerosis 2 (TSC2). Identifiers: Orphanet 805, MedGen C1860707, MONDO:0013199, OMIM 613254.

Submissions (2):

Revvity Omics, Revvity
Classification: Uncertain significance for Tuberous sclerosis 2. Last evaluated: 2023-03-16. Review status: criteria provided, single submitter. Criteria: ACMG Guidelines, 2015. Collection method: clinical testing. Allele origin: germline.

Labcorp Genetics (formerly Invitae), Labcorp
Classification: Uncertain significance for Tuberous sclerosis 2. Last evaluated: 2021-02-11. Review status: criteria provided, single submitter. Criteria: Invitae Variant Classification Sherloc (09022015). Collection method: clinical testing. Allele origin: germline.
Comment: In summary, the available evidence is currently insufficient to determine the role of this variant in disease. Therefore, it has been classified as a Variant of Uncertain Significance. Advanced modeling of protein sequence and biophysical properties (such as structural, functional, and spatial information, amino acid conservation, physicochemical variation, residue mobility, and thermodynamic stability) performed at Invitae indicates that this missense variant is not expected to disrupt TSC2 protein function. This variant has not been reported in the literature in individuals with TSC2-related conditions. This variant is not present in population databases (ExAC no frequency). This sequence change replaces arginine with leucine at codon 751 of the TSC2 protein (p.Arg751Leu). The arginine residue is weakly conserved and there is a moderate physicochemical difference between arginine and leucine.

NM_000548.5(TSC2):c.2252G>T (p.Arg751Leu)

Gene: TSC2 (TSC complex subunit 2; plus strand). Cytogenetic location: 16p13.3.
Variant type: single nucleotide variant.
Coding change: c.2252G>T on transcript NM_000548.5 (MANE Select); coding-DNA position 2252, G replaced by T.
Protein change: p.Arg751Leu; replaces arginine 751 with leucine.
Molecular consequence: missense variant.
Genome position (GRCh38, 1-based): chr16:2,072,880, G>T. VCF-style: chr16-2072880-G-T. GRCh37 (hg19) VCF-style: chr16-2122881-G-T.
Other names: c.2252G>T, p.Arg751Leu (NM_001077183.3, NM_001114382.3, NM_001363528.2 and 3 more transcripts); c.2141G>T, p.Arg714Leu (NM_001318827.2); c.2105G>T, p.Arg702Leu (NM_001318829.2); c.1652G>T, p.Arg551Leu (NM_001318831.2); c.2285G>T, p.Arg762Leu (NM_001318832.2); short protein forms R714L, R751L, R702L, R762L, R551L.
Identifiers: ClinVar variation 1477467 (VCV001477467.10), dbSNP rs749593050, ClinGen allele CA394276353.